The following is an entry in ClinVar:

NM_032119.4(ADGRV1):c.9838T>G (p.Tyr3280Asp)

Gene: ADGRV1 (adhesion G protein-coupled receptor V1; plus strand). Cytogenetic location: 5q14.3.
Variant type: single nucleotide variant.
Coding change: c.9838T>G on transcript NM_032119.4 (MANE Select); coding-DNA position 9838, T replaced by G.
Protein change: p.Tyr3280Asp; replaces tyrosine 3280 with aspartic acid.
Molecular consequence: missense variant. On other transcripts: non-coding transcript variant (1).
Genome position (GRCh38, 1-based): chr5:90,724,921, T>G. VCF-style: chr5-90724921-T-G. GRCh37 (hg19) VCF-style: chr5-90020738-T-G.
Other names: short protein forms Y3280D.
Identifiers: ClinVar variation 963765 (VCV000963765.10), dbSNP rs748350702, ClinGen allele CA3340605.
Genomic context (GRCh38, chr5:90,724,921, plus strand): 5'-CAAAGTTTTTTGGATGAATCAGCTTCTGGCTGGTGTTTCTTTACTTTGGAAAATTTAATA[T>G]ATGGTATAATGTTAAGAAAATCATCTGTTACTGTTTACCGATGGCAGGGGATTTTTATTC-3'
Protein context (NP_115495.3, residues 3270-3290): WCFFTLENLI[Tyr3280Asp]GIMLRKSSVT

ClinVar aggregate classification (germline): Uncertain significance. Review status: criteria provided, multiple submitters, no conflicts (2 of 4 stars). 2 submissions from 2 submitters: Uncertain significance (2). Last evaluated 2023-08-04.

Submissions (2):

GeneDx
Classification: Uncertain significance. Last evaluated: 2023-08-04. Review status: criteria provided, single submitter. Criteria: GeneDx Variant Classification Process June 2021. Collection method: clinical testing. Allele origin: germline. Affected: yes.
Comment: Not observed at significant frequency in large population cohorts (gnomAD); In silico analysis supports that this missense variant has a deleterious effect on protein structure/function; Has not been previously published as pathogenic or benign to our knowledge

Labcorp Genetics (formerly Invitae), Labcorp
Classification: Uncertain significance. Last evaluated: 2019-09-08. Review status: criteria provided, single submitter. Criteria: Invitae Variant Classification Sherloc (09022015). Collection method: clinical testing. Allele origin: germline.
Comment: In summary, the available evidence is currently insufficient to determine the role of this variant in disease. Therefore, it has been classified as a Variant of Uncertain Significance. Algorithms developed to predict the effect of sequence changes on RNA splicing suggest that this variant may create or strengthen a splice site, but this prediction has not been confirmed by published transcriptional studies. Algorithms developed to predict the effect of missense changes on protein structure and function are either unavailable or do not agree on the potential impact of this missense change (SIFT: "Deleterious"; PolyPhen-2: "Possibly Damaging"; Align-GVGD: "Class C0"). This variant is present in population databases (rs748350702, ExAC 0.002%). This sequence change replaces tyrosine with aspartic acid at codon 3280 of the ADGRV1 protein (p.Tyr3280Asp). The tyrosine residue is moderately conserved and there is a large physicochemical difference between tyrosine and aspartic acid.